The following is an entry in ClinVar:

NM_000535.7(PMS2):c.2069A>G (p.Lys690Arg)

Gene: PMS2 (PMS1 homolog 2, mismatch repair system component; minus strand). Cytogenetic location: 7p22.1.
Variant type: single nucleotide variant.
Coding change: c.2069A>G on transcript NM_000535.7 (MANE Select); coding-DNA position 2069, A replaced by G.
Protein change: p.Lys690Arg; replaces lysine 690 with arginine.
Molecular consequence: missense variant. On other transcripts: non-coding transcript variant (1).
Genome position (GRCh38, 1-based): chr7:5,982,929, T>C on the plus strand (A>G on the coding strand, the complement: PMS2 is on the minus strand). VCF-style: chr7-5982929-T-C. GRCh37 (hg19) VCF-style: chr7-6022560-T-C.
Other names: c.1664A>G, p.Lys555Arg (NM_001322003.2, NM_001322004.2, NM_001322005.2 and 1 more transcripts); c.1913A>G, p.Lys638Arg (NM_001322006.2); c.1751A>G, p.Lys584Arg (NM_001322007.2, NM_001322008.2); c.1508A>G, p.Lys503Arg (NM_001322010.2); c.1136A>G, p.Lys379Arg (NM_001322011.2, NM_001322012.2); c.1496A>G, p.Lys499Arg (NM_001322013.2); c.2069A>G, p.Lys690Arg (NM_001322014.2); c.1760A>G, p.Lys587Arg (NM_001322015.2); short protein forms K690R, K379R, K555R, K503R, K587R, K638R, K499R, K584R.
Identifiers: ClinVar variation 234688 (VCV000234688.18), dbSNP rs876661164, ClinGen allele CA10577335.

ClinVar aggregate classification (germline): Uncertain significance. Review status: criteria provided, multiple submitters, no conflicts (2 of 4 stars). 5 submissions from 5 submitters: Uncertain significance (5). Last evaluated 2025-08-07.

Conditions:
Hereditary nonpolyposis colorectal neoplasms. Identifiers: MedGen C0009405, MeSH D003123.
Hereditary cancer-predisposing syndrome. Also called: Hereditary neoplastic syndrome; Hereditary Cancer Syndrome; Neoplastic Syndromes, Hereditary; Tumor predisposition. Identifiers: Orphanet 140162, MedGen C0027672, MeSH D009386, MONDO:0015356.
Lynch syndrome 4 (LYNCH4). Also called: Colorectal cancer, hereditary nonpolyposis, type 4; Hereditary non-polyposis colorectal cancer, type 4. Identifiers: Orphanet 144, MedGen C1838333, MONDO:0013699, OMIM 614337. Disease mechanism: loss of function.

Allele frequency attached by ClinVar (database versions not stated): gnomAD exomes below 0.00001.
gnomAD v4.1: 3 of 1,592,098 alleles (0.00019%); highest among the groups gnomAD compares: Non-Finnish European, 0.00017%; no homozygotes.

Submissions (5):

Labcorp Genetics (formerly Invitae), Labcorp
Classification: Uncertain significance for Hereditary nonpolyposis colorectal neoplasms. Last evaluated: 2025-08-07. Review status: criteria provided, single submitter. Criteria: Invitae Variant Classification Sherloc (09022015). Collection method: clinical testing. Allele origin: germline.
Comment: This sequence change replaces lysine, which is basic and polar, with arginine, which is basic and polar, at codon 690 of the PMS2 protein (p.Lys690Arg). The frequency data for this variant in the population databases (gnomAD) is considered unreliable due to the presence of homologous sequence, such as pseudogenes or paralogs, in the genome. This variant has not been reported in the literature in individuals affected with PMS2-related conditions. ClinVar contains an entry for this variant (Variation ID: 234688). Invitae Evidence Modeling incorporating data from in vitro experimental studies (internal data) indicates that this missense variant is not expected to disrupt PMS2 function with a negative predictive value of 95%. In summary, the available evidence is currently insufficient to determine the role of this variant in disease. Therefore, it has been classified as a Variant of Uncertain Significance.

Ambry Genetics
Classification: Uncertain significance for Hereditary cancer-predisposing syndrome. Last evaluated: 2024-04-10. Review status: criteria provided, single submitter. Criteria: Ambry Variant Classification Scheme 2023. Collection method: clinical testing. Allele origin: germline.
Comment: The p.K690R variant (also known as c.2069A>G), located in coding exon 12 of the PMS2 gene, results from an A to G substitution at nucleotide position 2069. The lysine at codon 690 is replaced by arginine, an amino acid with highly similar properties. This amino acid position is well conserved in available vertebrate species. In addition, this alteration is predicted to be tolerated by in silico analysis. Since supporting evidence is limited at this time, the clinical significance of this alteration remains unclear.

Baylor Genetics
Classification: Uncertain significance for Lynch syndrome 4. Last evaluated: 2024-01-10. Review status: criteria provided, single submitter. Criteria: ACMG Guidelines, 2015. Collection method: clinical testing. Allele origin: unknown.

Color Diagnostics, LLC DBA Color Health
Classification: Uncertain significance for Hereditary cancer-predisposing syndrome. Last evaluated: 2023-03-16. Review status: criteria provided, single submitter. Criteria: ACMG Guidelines, 2015. Collection method: clinical testing. Allele origin: germline.
Comment: This missense variant replaces lysine with arginine at codon 690 of the PMS2 protein. Computational prediction suggests that this variant may not impact protein structure and function (internally defined REVEL score threshold <= 0.5, PMID: 27666373). To our knowledge, functional studies have not been reported for this variant. This variant has not been reported in individuals affected with PMS2-related disorders in the literature. This variant has not been identified in the general population by the Genome Aggregation Database (gnomAD). The available evidence is insufficient to determine the role of this variant in disease conclusively. Therefore, this variant is classified as a Variant of Uncertain Significance.

GeneDx
Classification: Uncertain significance. Last evaluated: 2015-12-11. Review status: criteria provided, single submitter. Criteria: GeneDx Variant Classification (06012015). Collection method: clinical testing. Allele origin: germline. Affected: yes.
Comment: This variant is denoted PMS2 c.2069A>G at the cDNA level, p.Lys690Arg (K690R) at the protein level, and results in the change of a Lysine to an Arginine (AAA>AGA). This variant has not, to our knowledge, been published in the literature as pathogenic or benign. PMS2 Lys690Arg was not observed in approximately 6,500 individuals of European and African American ancestry in the NHLBI Exome Sequencing Project, suggesting it is not a common benign variant in these populations. Since Lysine and Arginine share similar properties, this is considered a conservative amino acid substitution. PMS2 Lys690Arg occurs at a position that is conserved across species and is located in the nuclease domain (Fukui 2011). In silico analyses are inconsistent regarding the effect this variant may have on protein structure and function. Based on currently available evidence, it is unclear whether PMS2 Lys690Arg is a pathogenic or benign variant. We consider it to be a variant of uncertain significance.